The following is an entry in ClinVar:

NM_001009944.3(PKD1):c.6281G>A (p.Trp2094Ter)

Gene: PKD1 (polycystin 1, transient receptor potential channel interacting; minus strand). Cytogenetic location: 16p13.3.
Variant type: single nucleotide variant.
Coding change: c.6281G>A on transcript NM_001009944.3 (MANE Select); coding-DNA position 6281, G replaced by A.
Protein change: p.Trp2094Ter; replaces tryptophan 2094 with a stop codon.
Molecular consequence: nonsense.
Genome position (GRCh38, 1-based): chr16:2,108,886, C>T on the plus strand (G>A on the coding strand, the complement: PKD1 is on the minus strand). VCF-style: chr16-2108886-C-T. GRCh37 (hg19) VCF-style: chr16-2158887-C-T.
Other names: c.6281G>A, p.Trp2094Ter (NM_000296.4); short protein forms W2094*.
Identifiers: ClinVar variation 2633864 (VCV002633864.2), dbSNP rs2544804084, ClinGen allele CA394373878.

ClinVar aggregate classification (germline): Pathogenic (0 of 4 stars; one submission).

Conditions:
PKD1-related disorder. Also called: PKD1-related condition.

Submission:

PreventionGenetics, part of Exact Sciences
Classification: Pathogenic for PKD1-related condition. Last evaluated: 2024-09-04. Review status: no assertion criteria provided. Collection method: clinical testing. Allele origin: germline.
Comment: The PKD1 c.6281G>A variant is predicted to result in premature protein termination (p.Trp2094*). This variant was reported in an individual with autosomal dominant polycystic kidney disease (ADPKD) (Table S1 of Yan et al. 2022. PubMed ID: 36186434). In addition, a different nucleotide substitution (c.6282G>A) leading to the same nonsense variant has been reported in at least two patients with ADPKD (see for example, Table S3 of Carrera et al. 2016. PubMed ID: 27499327; Zacchia et al. 2021. PubMed ID: 33964006). Nonsense variants in PKD1 are expected to be pathogenic. This variant has not been reported in a large population database, indicating this variant is rare. This variant is interpreted as pathogenic.